The following is an entry in ClinVar:

ClinVar aggregate classification (germline): Uncertain significance (1 of 4 stars; one submission).

Conditions:
Familial adenomatous polyposis 1 (FAP1). Also called: POLYPOSIS, ADENOMATOUS INTESTINAL; FAMILIAL ADENOMATOUS POLYPOSIS 1, ATTENUATED. Identifiers: MedGen C2713442, MONDO:0021056, OMIM 175100. Disease mechanism: loss of function.

Submission:

Labcorp Genetics (formerly Invitae), Labcorp
Classification: Uncertain significance for Familial adenomatous polyposis 1. Last evaluated: 2019-09-03. Review status: criteria provided, single submitter. Criteria: Invitae Variant Classification Sherloc (09022015). Collection method: clinical testing. Allele origin: germline.
Comment: This sequence change replaces lysine with arginine at codon 1333 of the APC protein (p.Lys1333Arg). The lysine residue is highly conserved and there is a small physicochemical difference between lysine and arginine. This variant is not present in population databases (ExAC no frequency). This variant has not been reported in the literature in individuals with APC-related conditions. Algorithms developed to predict the effect of missense changes on protein structure and function are either unavailable or do not agree on the potential impact of this missense change (SIFT: "Tolerated"; PolyPhen-2: "Probably Damaging"; Align-GVGD: "Class C0"). In summary, the available evidence is currently insufficient to determine the role of this variant in disease. Therefore, it has been classified as a Variant of Uncertain Significance.

NM_000038.6(APC):c.3998A>G (p.Lys1333Arg)

Gene: APC (APC regulator of Wnt signaling pathway; plus strand). Cytogenetic location: 5q22.2.
Variant type: single nucleotide variant.
Coding change: c.3998A>G on transcript NM_000038.6 (MANE Select); coding-DNA position 3998, A replaced by G.
Protein change: p.Lys1333Arg; replaces lysine 1333 with arginine.
Molecular consequence: missense variant.
Genome position (GRCh38, 1-based): chr5:112,839,592, A>G. VCF-style: chr5-112839592-A-G. GRCh37 (hg19) VCF-style: chr5-112175289-A-G.
Other names: c.3998A>G, p.Lys1333Arg (NM_001127510.3, NM_001354895.2); c.3944A>G, p.Lys1315Arg (NM_001127511.3); c.4052A>G, p.Lys1351Arg (NM_001354896.2); c.4028A>G, p.Lys1343Arg (NM_001354897.2); c.3923A>G, p.Lys1308Arg (NM_001354898.2); c.3914A>G, p.Lys1305Arg (NM_001354899.2); c.3875A>G, p.Lys1292Arg (NM_001354900.2); c.3821A>G, p.Lys1274Arg (NM_001354901.2); and 5 more; short protein forms K1050R, K1173R, K1232R, K1292R, K1333R, K1305R, K1308R, K1207R.
Identifiers: ClinVar variation 957826 (VCV000957826.11), dbSNP rs1765577646, ClinGen allele CA16030099.